The following is an entry in ClinVar:

NM_033400.3(ZFHX2):c.1779C>T (p.His593=)

Genes: THTPA (thiamine triphosphatase; plus strand), ZFHX2 (zinc finger homeobox 2; minus strand). Cytogenetic location: 14q11.2.
Variant type: single nucleotide variant.
Coding change: c.1779C>T on transcript NM_033400.3 (MANE Select); coding-DNA position 1779, C replaced by T.
Protein change: p.His593=; no amino-acid change (histidine 593 retained).
Molecular consequence: synonymous variant.
Genome position (GRCh38, 1-based): chr14:23,533,547, G>A on the plus strand (C>T on the coding strand, the complement: ZFHX2 is on the minus strand). VCF-style: chr14-23533547-G-A. GRCh37 (hg19) VCF-style: chr14-24002756-G-A.
Identifiers: ClinVar variation 2644121 (VCV002644121.24), dbSNP rs1294148635, ClinGen allele CA485771282.

ClinVar aggregate classification (germline): Likely benign (1 of 4 stars; one submission).

Allele frequency attached by ClinVar (database versions not stated): gnomAD 0.00002; TOPMed 0.00002; gnomAD exomes 0.00003; 1000 Genomes Project 30x 0.00031.
gnomAD v4.1: 38 of 1,536,318 alleles (0.0025%); highest among the groups gnomAD compares: Middle Eastern, 0.017%; no homozygotes.

Submission:

CeGaT Center for Human Genetics Tuebingen
Classification: Likely benign. Last evaluated: 2022-09-01. Review status: criteria provided, single submitter. Criteria: CeGaT Center For Human Genetics Tuebingen Variant Classification Criteria Version 2. Collection method: clinical testing. Allele origin: germline. Affected: yes. Observed: 1 variant allele.
Comment: ZFHX2: BP4, BP7